The following is an entry in ClinVar:

ClinVar aggregate classification (germline): Uncertain significance. Review status: criteria provided, multiple submitters, no conflicts (2 of 4 stars). 4 submissions from 4 submitters: Uncertain significance (3). 1 of the submissions does not count toward it. Last evaluated 2026-06-18.

Conditions:
Inborn genetic diseases. Identifiers: MedGen C0950123, MeSH D030342.
PKD1-related disorder. Also called: PKD1-related condition.

Submissions (4):

GeneDx
Classification: Uncertain significance. Last evaluated: 2026-06-18. Review status: criteria provided, single submitter. Criteria: GeneDx Variant Classification Process June 2021. Collection method: clinical testing. Allele origin: germline.
Comment: In silico analysis suggests that this missense variant does not alter protein structure/function; Has not been previously published as pathogenic or benign to our knowledge

PreventionGenetics, part of Exact Sciences
Classification: Uncertain significance for PKD1-related condition. Last evaluated: 2026-04-23. Review status: criteria provided, single submitter. Criteria: ACMG Guidelines, 2015. Collection method: clinical testing. Allele origin: germline.
Comment: The PKD1 c.112C>G variant is predicted to result in the amino acid substitution p.Leu38Val. To our knowledge, this variant has not been reported in the literature. This variant is reported in 0.015% of alleles in individuals of European (Non-Finnish) descent in gnomAD. At this time, the clinical significance of this variant is uncertain due to the absence of conclusive functional and genetic evidence.

Ambry Genetics
Classification: Uncertain significance for Inborn genetic diseases. Last evaluated: 2025-04-01. Review status: criteria provided, single submitter. Criteria: Ambry Variant Classification Scheme 2023. Collection method: clinical testing. Allele origin: germline.

Department of Pathology and Laboratory Medicine, Sinai Health System
Classification: Uncertain significance. Review status: no assertion criteria provided. Collection method: clinical testing. Allele origin: unknown. Affected: yes. Study: The Canadian Open Genetics Repository (COGR). Not counted in ClinVar's aggregate classification.
Comment: The PKD1 p.Leu38Val variant was not identified in the literature nor was it identified in the following databases: dbSNP, ClinVar, COGR, LOVD 3.0, ADPKD Mutation Database, PKD1-LOVD, the 1000 Genomes Project, the NHLBI GO Exome Sequencing Project or the Exome Aggregation Consortium (August 8th 2016). The variant was identified in the Genome Aggregation Database (Feb 27, 2017) in 2 of 26188 chromosomes (frequency: 0.00008) in the European Non Finnish population in 2 of 13706 chromosomes (frequency: 0.0001). In addition, we cannot be certain that data from control databases is specific to PKD1 and not from one of the six PKD1 pseudogenes. The p.Leu38 residue is not conserved in mammals and computational analyses (PolyPhen-2, SIFT, AlignGVGD, BLOSUM, MutationTaster) do not suggest a high likelihood the Val variant impacts the protein; however, this information is not predictive enough to rule out pathogenicity. The variant occurs outside of the splicing consensus sequence and 1 of 5 in silico or computational prediction software programs (SpliceSiteFinder, MaxEntScan, NNSPLICE, GeneSplicer, HumanSpliceFinder) predict a greater than 10% difference in splicing; this is not very predictive of pathogenicity. In summary, based on the above information, the clinical significance of this variant cannot be determined with certainty at this time. This variant is classified as a variant of uncertain significance.

NM_001009944.3(PKD1):c.112C>G (p.Leu38Val)

Gene: PKD1 (polycystin 1, transient receptor potential channel interacting; minus strand). Cytogenetic location: 16p13.3.
Variant type: single nucleotide variant.
Coding change: c.112C>G on transcript NM_001009944.3 (MANE Select); coding-DNA position 112, C replaced by G.
Protein change: p.Leu38Val; replaces leucine 38 with valine.
Molecular consequence: missense variant.
Genome position (GRCh38, 1-based): chr16:2,135,578, G>C on the plus strand (C>G on the coding strand, the complement: PKD1 is on the minus strand). VCF-style: chr16-2135578-G-C. GRCh37 (hg19) VCF-style: chr16-2185579-G-C.
Other names: c.112C>G (NM_001009944.2, NM_000296.3); c.112C>G, p.Leu38Val (NM_000296.4); short protein forms L38V.
Identifiers: ClinVar variation 1050693 (VCV001050693.7), dbSNP rs1030433875, ClinGen allele CA276756563.